The following is an entry in ClinVar:

NM_005996.4(TBX3):c.1269G>A (p.Ser423=)

Gene: TBX3 (T-box transcription factor 3; minus strand). Cytogenetic location: 12q24.21.
Variant type: single nucleotide variant.
Coding change: c.1269G>A on transcript NM_005996.4 (MANE Select); coding-DNA position 1269, G replaced by A.
Protein change: p.Ser423=; no amino-acid change (serine 423 retained).
Molecular consequence: synonymous variant.
Genome position (GRCh38, 1-based): chr12:114,674,606, C>T on the plus strand (G>A on the coding strand, the complement: TBX3 is on the minus strand). VCF-style: chr12-114674606-C-T. GRCh37 (hg19) VCF-style: chr12-115112411-C-T.
Other names: c.1329G>A, p.Ser443= (NM_016569.4); c.1329G>A (NM_016569.3).
Identifiers: ClinVar variation 307364 (VCV000307364.12), dbSNP rs773964538, ClinGen allele CA6809950.

ClinVar aggregate classification (germline): Likely benign. Review status: criteria provided, multiple submitters, no conflicts (2 of 4 stars). 4 submissions from 4 submitters: Likely benign (3). 1 of the submissions does not count toward it. Last evaluated 2026-01-26.

Conditions:
TBX3-related disorder. Also called: TBX3-related condition.
Ulnar-mammary syndrome (UMS). Also called: SCHINZEL SYNDROME; PALLISTER ULNAR-MAMMARY SYNDROME; Ulnar-mammary syndrome of Pallister. Identifiers: Orphanet 3138, MedGen C1866994, MONDO:0008411, OMIM 181450.

Allele frequency attached by ClinVar (database versions not stated): gnomAD 0.00001; gnomAD exomes 0.00004; TOPMed 0.00004; ExAC 0.00005.
gnomAD v4.1: 21 of 1,600,196 alleles (0.0013%); highest among the groups gnomAD compares: East Asian, 0.043%; no homozygotes.

Submissions (4):

Labcorp Genetics (formerly Invitae), Labcorp
Classification: Likely benign for Ulnar-mammary syndrome. Last evaluated: 2026-01-26. Review status: criteria provided, single submitter. Criteria: Invitae Variant Classification Sherloc (09022015). Collection method: clinical testing. Allele origin: germline.

Blueprint Genetics
Classification: Likely benign. Last evaluated: 2023-06-05. Review status: criteria provided, single submitter. Criteria: ACMG Guidelines, 2015. Collection method: clinical testing. Allele origin: germline.

Illumina Laboratory Services, Illumina
Classification: Likely benign for Ulnar-mammary syndrome. Last evaluated: 2017-04-28. Review status: criteria provided, single submitter. Criteria: ICSL Variant Classification Criteria 13 December 2019. Collection method: clinical testing. Allele origin: germline.
Comment: This variant was observed as part of a predisposition screen in an ostensibly healthy population. A literature search was performed for the gene, cDNA change, and amino acid change (where applicable). No publications were found based on this search. Allele frequency data from public databases allowed determination this variant is unlikely to cause disease. Therefore, this variant is classified as likely benign.

PreventionGenetics, part of Exact Sciences
Classification: Likely benign for TBX3-related condition. Last evaluated: 2022-08-16. Review status: no assertion criteria provided. Collection method: clinical testing. Allele origin: germline. Not counted in ClinVar's aggregate classification.
Comment: This variant is classified as likely benign based on ACMG/AMP sequence variant interpretation guidelines (Richards et al. 2015 PMID: 25741868, with internal and published modifications).